The following is an entry in ClinVar:

ClinVar aggregate classification (germline): Uncertain significance. Review status: criteria provided, multiple submitters, no conflicts (2 of 4 stars). 6 submissions from 6 submitters: Uncertain significance (6). Last evaluated 2025-06-29.

Conditions:
Nephrotic syndrome, type 13 (NPHS13). Identifiers: Orphanet 656, MedGen C4225165, MONDO:0014818, OMIM 616893.

Allele frequency attached by ClinVar (database versions not stated): gnomAD 0.00021; gnomAD exomes 0.00025 and 0.00029; 1000 Genomes Project 30x 0.00031; TOPMed 0.00031; ExAC 0.00031; ESP Exome Variant Server 0.00038; 1000 Genomes Project 0.00040.
gnomAD v4.1: 419 of 1,613,520 alleles (0.026%); highest among the groups gnomAD compares: Middle Eastern, 0.5%; 2 homozygotes.

Submissions (6):

Ambry Genetics
Classification: Uncertain significance. Last evaluated: 2025-06-29. Review status: criteria provided, single submitter. Criteria: Ambry Variant Classification Scheme 2023. Collection method: clinical testing. Allele origin: germline.

Labcorp Genetics (formerly Invitae), Labcorp
Classification: Uncertain significance. Last evaluated: 2024-10-16. Review status: criteria provided, single submitter. Criteria: Invitae Variant Classification Sherloc (09022015). Collection method: clinical testing. Allele origin: germline.
Comment: This sequence change replaces isoleucine, which is neutral and non-polar, with methionine, which is neutral and non-polar, at codon 987 of the NUP205 protein (p.Ile987Met). This variant is present in population databases (rs61756073, gnomAD 0.05%). This variant has not been reported in the literature in individuals affected with NUP205-related conditions. ClinVar contains an entry for this variant (Variation ID: 1414591). Invitae Evidence Modeling of protein sequence and biophysical properties (such as structural, functional, and spatial information, amino acid conservation, physicochemical variation, residue mobility, and thermodynamic stability) indicates that this missense variant is not expected to disrupt NUP205 protein function with a negative predictive value of 80%. In summary, the available evidence is currently insufficient to determine the role of this variant in disease. Therefore, it has been classified as a Variant of Uncertain Significance.

Blueprint Genetics
Classification: Uncertain significance. Last evaluated: 2024-08-16. Review status: criteria provided, single submitter. Criteria: ACMG Guidelines, 2015. Collection method: clinical testing. Allele origin: germline.

CeGaT Center for Human Genetics Tuebingen
Classification: Uncertain significance. Last evaluated: 2022-05-01. Review status: criteria provided, single submitter. Criteria: CeGaT Center For Human Genetics Tuebingen Variant Classification Criteria Version 2. Collection method: clinical testing. Allele origin: germline. Affected: yes. Observed: 1 variant allele.

Fulgent Genetics
Classification: Uncertain significance for Nephrotic syndrome, type 13. Last evaluated: 2022-01-05. Review status: criteria provided, single submitter. Criteria: ACMG Guidelines, 2015. Collection method: clinical testing. Allele origin: unknown.

Breakthrough Genomics
Classification: Uncertain significance. Review status: criteria provided, single submitter. Criteria: ACMG Guidelines, 2015. Collection method: not provided. Allele origin: germline. Inheritance: Autosomal recessive inheritance. Affected: yes.

NM_015135.3(NUP205):c.2961C>G (p.Ile987Met)

Gene: NUP205 (nucleoporin 205; plus strand). Cytogenetic location: 7q33.
Variant type: single nucleotide variant.
Coding change: c.2961C>G on transcript NM_015135.3 (MANE Select); coding-DNA position 2961, C replaced by G.
Protein change: p.Ile987Met; replaces isoleucine 987 with methionine.
Molecular consequence: missense variant.
Genome position (GRCh38, 1-based): chr7:135,606,806, C>G. VCF-style: chr7-135606806-C-G. GRCh37 (hg19) VCF-style: chr7-135291554-C-G.
Other names: c.1887C>G, p.Ile629Met (NM_001329434.2); c.2961C>G (NM_015135.2); short protein forms I629M, I987M.
Identifiers: ClinVar variation 1414591 (VCV001414591.33), dbSNP rs61756073, ClinGen allele CA4498473.